The following is an entry in ClinVar:

ClinVar aggregate classification (germline): Uncertain significance. Review status: criteria provided, multiple submitters, no conflicts (2 of 4 stars). 3 submissions from 3 submitters: Uncertain significance (3). Last evaluated 2026-01-06.

Conditions:
Hereditary cancer-predisposing syndrome. Also called: Neoplastic Syndromes, Hereditary; Tumor predisposition; Hereditary Cancer Syndrome; Hereditary neoplastic syndrome. Identifiers: Orphanet 140162, MedGen C0027672, MeSH D009386, MONDO:0015356.
Tuberous sclerosis syndrome (TSC). Also called: Tuberous Sclerosis Complex; Tuberous sclerosis. Identifiers: Orphanet 805, MedGen C0041341, MONDO:0001734.
Tuberous sclerosis 2 (TSC2). Identifiers: Orphanet 805, MedGen C1860707, MONDO:0013199, OMIM 613254.

Submissions (3):

Labcorp Genetics (formerly Invitae), Labcorp
Classification: Uncertain significance for Tuberous sclerosis 2. Last evaluated: 2026-01-06. Review status: criteria provided, single submitter. Criteria: Invitae Variant Classification Sherloc (09022015). Collection method: clinical testing. Allele origin: germline.
Comment: This sequence change replaces glycine, which is neutral and non-polar, with serine, which is neutral and polar, at codon 1460 of the TSC2 protein (p.Gly1460Ser). This variant is not present in population databases (gnomAD no frequency). This variant has not been reported in the literature in individuals affected with TSC2-related conditions. ClinVar contains an entry for this variant (Variation ID: 1740126). Invitae Evidence Modeling of protein sequence and biophysical properties (such as structural, functional, and spatial information, amino acid conservation, physicochemical variation, residue mobility, and thermodynamic stability) indicates that this missense variant is not expected to disrupt TSC2 protein function with a negative predictive value of 95%. In summary, the available evidence is currently insufficient to determine the role of this variant in disease. Therefore, it has been classified as a Variant of Uncertain Significance.

All of Us Research Program, National Institutes of Health
Classification: Uncertain significance for Tuberous sclerosis syndrome. Last evaluated: 2023-10-06. Review status: criteria provided, single submitter. Criteria: ACMG Guidelines, 2015. Collection method: clinical testing. Allele origin: germline. Inheritance: Autosomal dominant inheritance. Observed: 1 variant allele, 1 heterozygote.
Comment: This missense variant replaces glycine with serine at codon 1460 of the TSC2 protein. Computational prediction is inconclusive regarding the impact of this variant on protein structure and function (internally defined REVEL score threshold 0.5 < inconclusive < 0.7, PMID: 27666373). To our knowledge, functional studies have not been reported for this variant. This variant has not been reported in individuals affected with TSC2-related disorders in the literature. This variant has not been identified in the general population by the Genome Aggregation Database (gnomAD). The available evidence is insufficient to determine the role of this variant in disease conclusively. Therefore, this variant is classified as a Variant of Uncertain Significance.

This study involves interpretation of variants in research participants for the purpose of population health screening. Participant phenotype was not available at the time of variant classification. Additional details can be found in publication PMID: 35346344, PMCID: PMC8962531

Ambry Genetics
Classification: Uncertain significance for Hereditary cancer-predisposing syndrome. Last evaluated: 2022-04-08. Review status: criteria provided, single submitter. Criteria: Ambry Variant Classification Scheme 2023. Collection method: clinical testing. Allele origin: germline.
Comment: The p.G1460S variant (also known as c.4378G>A), located in coding exon 33 of the TSC2 gene, results from a G to A substitution at nucleotide position 4378. The glycine at codon 1460 is replaced by serine, an amino acid with similar properties. This amino acid position is conserved. In addition, this alteration is predicted to be deleterious by in silico analysis. Since supporting evidence is limited at this time, the clinical significance of this alteration remains unclear.

NM_000548.5(TSC2):c.4378G>A (p.Gly1460Ser)

Gene: TSC2 (TSC complex subunit 2; plus strand). Cytogenetic location: 16p13.3.
Variant type: single nucleotide variant.
Coding change: c.4378G>A on transcript NM_000548.5 (MANE Select); coding-DNA position 4378, G replaced by A.
Protein change: p.Gly1460Ser; replaces glycine 1460 with serine.
Molecular consequence: missense variant.
Genome position (GRCh38, 1-based): chr16:2,084,600, G>A. VCF-style: chr16-2084600-G-A. GRCh37 (hg19) VCF-style: chr16-2134601-G-A.
Other names: c.4177G>A, p.Gly1393Ser (NM_001077183.3); c.4309G>A, p.Gly1437Ser (NM_001114382.3); c.4069G>A, p.Gly1357Ser (NM_001318827.2); c.4033G>A, p.Gly1345Ser (NM_001318829.2); c.3646G>A, p.Gly1216Ser (NM_001318831.2); c.4210G>A, p.Gly1404Ser (NM_001318832.2); c.4180G>A, p.Gly1394Ser (NM_001363528.2); c.4246G>A, p.Gly1416Ser (NM_001370404.1); and 26 more; short protein forms G1193S, G1236S, G1260S, G1344S, G1356S, G1400S, G1416S, G1194S.
Identifiers: ClinVar variation 1740126 (VCV001740126.6), dbSNP rs1238109196, ClinGen allele CA394301820.
Genomic context (GRCh38, chr16:2,084,600, plus strand): 5'-CAGCCCGAGGGTCCCTTGCCTTCCAGCTCCCCCCGCTCGCCCAGTGGCCTCCGGCCCCGA[G>A]GTTACACCATCTCCGACTCGGCCCCATCACGCAGGGGCAAGAGAGTAGAGAGGGACGCCT-3'
Protein context (NP_000539.2, residues 1450-1470): PRSPSGLRPR[Gly1460Ser]YTISDSAPSR